The following is an entry in ClinVar:

NM_000334.4(SCN4A):c.5277C>G (p.Asp1759Glu)

Genes: GH-LCR (growth hormone locus control region; plus strand), SCN4A (sodium voltage-gated channel alpha subunit 4; minus strand). Cytogenetic location: 17q23.3.
Variant type: single nucleotide variant.
Coding change: c.5277C>G on transcript NM_000334.4 (MANE Select); coding-DNA position 5277, C replaced by G.
Protein change: p.Asp1759Glu; replaces aspartic acid 1759 with glutamic acid.
Molecular consequence: missense variant.
Genome position (GRCh38, 1-based): chr17:63,941,005, G>C on the plus strand (C>G on the coding strand, the complement: SCN4A is on the minus strand). VCF-style: chr17-63941005-G-C. GRCh37 (hg19) VCF-style: chr17-62018365-G-C.
Other names: short protein forms D1759E.
Identifiers: ClinVar variation 1000491 (VCV001000491.11), dbSNP rs548333586, ClinGen allele CA8708794.

ClinVar aggregate classification (germline): Uncertain significance. Review status: criteria provided, multiple submitters, no conflicts (2 of 4 stars). 2 submissions from 2 submitters: Uncertain significance (2). Last evaluated 2023-02-07.

Conditions:
Inborn genetic diseases. Identifiers: MedGen C0950123, MeSH D030342.
Hyperkalemic periodic paralysis. Also called: Familial hyperkalemic periodic paralysis; Gamstorp disease. Identifiers: Orphanet 682, MedGen C0238357, MONDO:0008224, OMIM 170500, HP:0007215.

Allele frequency attached by ClinVar (database versions not stated): gnomAD 0.00001; 1000 Genomes Project 30x 0.00016; 1000 Genomes Project 0.00020.

Submissions (2):

Ambry Genetics
Classification: Uncertain significance for Inborn genetic diseases. Last evaluated: 2023-02-07. Review status: criteria provided, single submitter. Criteria: Ambry Variant Classification Scheme 2023. Collection method: clinical testing. Allele origin: germline.

Labcorp Genetics (formerly Invitae), Labcorp
Classification: Uncertain significance for Hyperkalemic periodic paralysis. Last evaluated: 2020-10-20. Review status: criteria provided, single submitter. Criteria: Invitae Variant Classification Sherloc (09022015). Collection method: clinical testing. Allele origin: germline.
Comment: This sequence change replaces aspartic acid with glutamic acid at codon 1759 of the SCN4A protein (p.Asp1759Glu). The aspartic acid residue is highly conserved and there is a small physicochemical difference between aspartic acid and glutamic acid. This variant is present in population databases (rs548333586, ExAC 0.01%). This variant has not been reported in the literature in individuals with SCN4A-related conditions. Algorithms developed to predict the effect of missense changes on protein structure and function output the following: SIFT: "Tolerated"; PolyPhen-2: "Benign"; Align-GVGD: "Class C0". The glutamic acid amino acid residue is found in multiple mammalian species, suggesting that this missense change does not adversely affect protein function. These predictions have not been confirmed by published functional studies and their clinical significance is uncertain. In summary, the available evidence is currently insufficient to determine the role of this variant in disease. Therefore, it has been classified as a Variant of Uncertain Significance.